The following is an entry in ClinVar:

NM_024408.4(NOTCH2):c.5024G>A (p.Arg1675His)

Gene: NOTCH2 (notch receptor 2; minus strand). Cytogenetic location: 1p12.
Variant type: single nucleotide variant.
Coding change: c.5024G>A on transcript NM_024408.4 (MANE Select); coding-DNA position 5024, G replaced by A.
Protein change: p.Arg1675His; replaces arginine 1675 with histidine.
Molecular consequence: missense variant.
Genome position (GRCh38, 1-based): chr1:119,922,425, C>T on the plus strand (G>A on the coding strand, the complement: NOTCH2 is on the minus strand). VCF-style: chr1-119922425-C-T. GRCh37 (hg19) VCF-style: chr1-120465048-C-T.
Other names: c.5024G>A (NM_024408.3); short protein forms R1675H.
Identifiers: ClinVar variation 2060165 (VCV002060165.7), dbSNP rs372916164, ClinGen allele CA1039731.
Genomic context (GRCh38, chr1:119,922,425, plus strand): 5'-AGCAGAATAATAAACAGAATGATGACAACAGCAACAGCAAGGAGATAGAGGAGCTGAGTG[C>T]GTTCTGGAGTCAGGGATTCACCTGAAAGTCCACAGAGACAGGGAAAGTGCTGAATAAAAC-3'
Protein context (NP_077719.2, residues 1665-1685): SVVSESLTPE[Arg1675His]TQLLYLLAVA

ClinVar aggregate classification (germline): Conflicting classifications of pathogenicity. Review status: criteria provided, conflicting classifications (1 of 4 stars). 3 submissions from 3 submitters: Uncertain significance (2); Likely benign (1). Last evaluated 2026-01-15.

Conditions:
NOTCH2-related disorder. Also called: NOTCH2-related condition.
Alagille syndrome due to a NOTCH2 point mutation. Also called: Alagille syndrome 2. Identifiers: Orphanet 261629, Orphanet 52, MedGen C1857761, MONDO:0012439, OMIM 610205.
Hajdu-Cheney syndrome (HJCYS). Also called: ACROOSTEOLYSIS WITH OSTEOPOROSIS AND CHANGES IN SKULL AND MANDIBLE; SERPENTINE FIBULA-POLYCYSTIC KIDNEY SYNDROME; Acroosteolysis dominant type. Identifiers: Orphanet 955, MedGen C0917715, MONDO:0007057, OMIM 102500.

Allele frequency attached by ClinVar (database versions not stated): ExAC 0.00001; TOPMed 0.00004; gnomAD 0.00007; ESP Exome Variant Server 0.00008.
gnomAD v4.1: 70 of 1,612,764 alleles (0.0043%); highest among the groups gnomAD compares: Admixed American, 0.015%; no homozygotes.

Submissions (3):

PreventionGenetics, part of Exact Sciences
Classification: Uncertain significance for NOTCH2-related condition. Last evaluated: 2026-01-15. Review status: criteria provided, single submitter. Criteria: ACMG Guidelines, 2015. Collection method: clinical testing. Allele origin: germline.
Comment: The NOTCH2 c.5024G>A variant is predicted to result in the amino acid substitution p.Arg1675His. To our knowledge, this variant has not been reported in the literature. This variant is reported in 0.0066% of alleles in individuals of South Asian descent in gnomAD. Although we suspect that this variant may be benign, at this time, the clinical significance of this variant is uncertain due to the absence of conclusive functional and genetic evidence.

Labcorp Genetics (formerly Invitae), Labcorp
Classification: Uncertain significance for Hajdu-Cheney syndrome. Last evaluated: 2025-06-15. Review status: criteria provided, single submitter. Criteria: Invitae Variant Classification Sherloc (09022015). Collection method: clinical testing. Allele origin: germline.
Comment: This sequence change replaces arginine, which is basic and polar, with histidine, which is basic and polar, at codon 1675 of the NOTCH2 protein (p.Arg1675His). This variant is present in population databases (rs372916164, gnomAD 0.007%). This variant has not been reported in the literature in individuals affected with NOTCH2-related conditions. ClinVar contains an entry for this variant (Variation ID: 2060165). Invitae Evidence Modeling of protein sequence and biophysical properties (such as structural, functional, and spatial information, amino acid conservation, physicochemical variation, residue mobility, and thermodynamic stability) indicates that this missense variant is not expected to disrupt NOTCH2 protein function with a negative predictive value of 80%. In summary, the available evidence is currently insufficient to determine the role of this variant in disease. Therefore, it has been classified as a Variant of Uncertain Significance.

Fulgent Genetics
Classification: Likely benign for Hajdu-Cheney syndrome; Alagille syndrome due to a NOTCH2 point mutation. Last evaluated: 2024-06-17. Review status: criteria provided, single submitter. Criteria: ACMG Guidelines, 2015. Collection method: clinical testing. Allele origin: germline.